The following is an entry in ClinVar:

ClinVar aggregate classification (germline): Conflicting classifications of pathogenicity. Review status: criteria provided, conflicting classifications (1 of 4 stars). 3 submissions from 3 submitters: Uncertain significance (2); Likely benign (1). Last evaluated 2025-12-09.

Conditions:
Cardiovascular phenotype. Identifiers: MedGen CN230736.
Long QT syndrome (LQTS). Identifiers: MedGen C0023976, MeSH D008133, MONDO:0002442. Disease mechanism: loss of function. Inheritance: Various modes of inheritance.
Long QT syndrome 12 (LQT12). Identifiers: Orphanet 101016, Orphanet 768, MedGen C2751830, MONDO:0013062, OMIM 612955.

Allele frequency attached by ClinVar (database versions not stated): gnomAD exomes below 0.00001 and 0.00003; gnomAD 0.00003; TOPMed 0.00004; ExAC 0.00006; ESP Exome Variant Server 0.00023.

Submissions (3):

Labcorp Genetics (formerly Invitae), Labcorp
Classification: Uncertain significance for Long QT syndrome. Last evaluated: 2025-12-09. Review status: criteria provided, single submitter. Criteria: Invitae Variant Classification Sherloc (09022015). Collection method: clinical testing. Allele origin: germline.
Comment: This sequence change replaces glutamic acid, which is acidic and polar, with lysine, which is basic and polar, at codon 437 of the SNTA1 protein (p.Glu437Lys). This variant is present in population databases (rs371648806, gnomAD 0.04%). This variant has not been reported in the literature in individuals affected with SNTA1-related conditions. ClinVar contains an entry for this variant (Variation ID: 1510952). An algorithm developed to predict the effect of missense changes on protein structure and function (PolyPhen-2) suggests that this variant is likely to be disruptive. In summary, the available evidence is currently insufficient to determine the role of this variant in disease. Therefore, it has been classified as a Variant of Uncertain Significance.

Ambry Genetics
Classification: Likely benign for Cardiovascular phenotype. Last evaluated: 2022-09-14. Review status: criteria provided, single submitter. Criteria: Ambry Variant Classification Scheme 2023. Collection method: clinical testing. Allele origin: germline.

Fulgent Genetics
Classification: Uncertain significance for Long QT syndrome 12. Last evaluated: 2021-07-22. Review status: criteria provided, single submitter. Criteria: ACMG Guidelines, 2015. Collection method: clinical testing. Allele origin: unknown.

NM_003098.3(SNTA1):c.1309G>A (p.Glu437Lys)

Gene: SNTA1 (syntrophin alpha 1; minus strand). Cytogenetic location: 20q11.21.
Variant type: single nucleotide variant.
Coding change: c.1309G>A on transcript NM_003098.3 (MANE Select); coding-DNA position 1309, G replaced by A.
Protein change: p.Glu437Lys; replaces glutamic acid 437 with lysine.
Molecular consequence: missense variant.
Genome position (GRCh38, 1-based): chr20:33,408,817, C>T on the plus strand (G>A on the coding strand, the complement: SNTA1 is on the minus strand). VCF-style: chr20-33408817-C-T. GRCh37 (hg19) VCF-style: chr20-31996623-C-T.
Other names: short protein forms E437K.
Identifiers: ClinVar variation 1510952 (VCV001510952.11), dbSNP rs371648806, ClinGen allele CA9816984.